The following is an entry in ClinVar:

ClinVar aggregate classification (germline): Uncertain significance (1 of 4 stars; one submission).

Conditions:
Hereditary cancer-predisposing syndrome. Also called: Neoplastic Syndromes, Hereditary; Tumor predisposition; Hereditary Cancer Syndrome; Hereditary neoplastic syndrome. Identifiers: Orphanet 140162, MedGen C0027672, MeSH D009386, MONDO:0015356.

Submission:

Ambry Genetics
Classification: Uncertain significance for Hereditary cancer-predisposing syndrome. Last evaluated: 2026-03-10. Review status: criteria provided, single submitter. Criteria: Ambry Variant Classification Scheme 2023. Collection method: clinical testing. Allele origin: germline.
Comment: The p.L844V variant (also known as c.2530C>G), located in coding exon 21 of the EGFR gene, results from a C to G substitution at nucleotide position 2530. The leucine at codon 844 is replaced by valine, an amino acid with highly similar properties. This alteration was identified in an individual diagnosed with lung cancer (Lu S et al. J Thorac Oncol, 2019 Apr;14:732-736). This amino acid position is highly conserved in available vertebrate species. In addition, this alteration is predicted to be deleterious by in silico analysis. Based on the available evidence, the clinical significance of this variant remains unclear.

Literature cited by the submitters: PubMed 30610926.

NM_005228.5(EGFR):c.2530C>G (p.Leu844Val)

Gene: EGFR (epidermal growth factor receptor; plus strand). Cytogenetic location: 7p11.2.
Variant type: single nucleotide variant.
Coding change: c.2530C>G on transcript NM_005228.5 (MANE Select); coding-DNA position 2530, C replaced by G.
Protein change: p.Leu844Val; replaces leucine 844 with valine.
Molecular consequence: missense variant.
Genome position (GRCh38, 1-based): chr7:55,191,779, C>G. VCF-style: chr7-55191779-C-G. GRCh37 (hg19) VCF-style: chr7-55259472-C-G.
Other names: c.2395C>G, p.Leu799Val (NM_001346897.2, NM_001346899.2); c.2530C>G, p.Leu844Val (NM_001346898.2); c.2371C>G, p.Leu791Val (NM_001346900.2); c.1729C>G, p.Leu577Val (NM_001346941.2); short protein forms L799V, L577V, L791V, L844V.
Identifiers: ClinVar variation 4826850 (VCV004826850.1).